The following is an entry in ClinVar:

NM_003183.6(ADAM17):c.2416G>C (p.Ala806Pro)

Genes: ADAM17 (ADAM metallopeptidase domain 17; minus strand), IAH1 (isoamyl acetate hydrolyzing esterase 1 (putative); plus strand). Cytogenetic location: 2p25.1.
Variant type: single nucleotide variant.
Coding change: c.2416G>C on transcript NM_003183.6 (MANE Select); coding-DNA position 2416, G replaced by C.
Protein change: p.Ala806Pro; replaces alanine 806 with proline.
Molecular consequence: missense variant.
Genome position (GRCh38, 1-based): chr2:9,490,236, C>G on the plus strand (G>C on the coding strand, the complement: ADAM17 is on the minus strand). VCF-style: chr2-9490236-C-G. GRCh37 (hg19) VCF-style: chr2-9630365-C-G.
Other names: c.2416G>C, p.Ala806Pro (LRG_1203t1); c.2416G>C (NM_003183.4); short protein forms A806P.
Identifiers: ClinVar variation 539948 (VCV000539948.6), dbSNP rs761391373, ClinGen allele CA1523222.
Genomic context (GRCh38, chr2:9,490,236, plus strand): 5'-ATTAGCACTCTGTTTCTTTGCTGTCAACACGATTCTGACGCTGCAGTTTAAAGGAGGCAG[C>G]CTTTTCACTTCTGGTGACCGGATGGTCCGTGAGATCCTCAAATGACTTGGCAGCTGTGCT-3'
Protein context (NP_003174.3, residues 796-816): TDHPVTRSEK[Ala806Pro]ASFKLQRQNR

ClinVar aggregate classification (germline): Uncertain significance. Review status: criteria provided, multiple submitters, no conflicts (2 of 4 stars). 2 submissions from 2 submitters: Uncertain significance (2). Last evaluated 2025-05-07.

Conditions:
Inborn genetic diseases. Identifiers: MedGen C0950123, MeSH D030342.
Inflammatory skin and bowel disease, neonatal, 1. Identifiers: Orphanet 294023, MedGen C3280501, MONDO:0013693, OMIM 614328.

Allele frequency attached by ClinVar (database versions not stated): TOPMed 0.00001.
gnomAD v4.1: 25 of 1,609,752 alleles (0.0016%); highest among the groups gnomAD compares: Admixed American, 0.0067%; 1 homozygote.

Submissions (2):

Ambry Genetics
Classification: Uncertain significance for Inborn genetic diseases. Last evaluated: 2025-05-07. Review status: criteria provided, single submitter. Criteria: Ambry Variant Classification Scheme 2023. Collection method: clinical testing. Allele origin: germline.

Labcorp Genetics (formerly Invitae), Labcorp
Classification: Uncertain significance for Inflammatory skin and bowel disease, neonatal, 1. Last evaluated: 2023-10-13. Review status: criteria provided, single submitter. Criteria: Invitae Variant Classification Sherloc (09022015). Collection method: clinical testing. Allele origin: germline.
Comment: This sequence change replaces alanine, which is neutral and non-polar, with proline, which is neutral and non-polar, at codon 806 of the ADAM17 protein (p.Ala806Pro). This variant is present in population databases (rs761391373, gnomAD 0.003%). This variant has not been reported in the literature in individuals affected with ADAM17-related conditions. ClinVar contains an entry for this variant (Variation ID: 539948). An algorithm developed to predict the effect of missense changes on protein structure and function (PolyPhen-2) suggests that this variant is likely to be disruptive. In summary, the available evidence is currently insufficient to determine the role of this variant in disease. Therefore, it has been classified as a Variant of Uncertain Significance.